The following is an entry in ClinVar:

NM_133433.4(NIPBL):c.7180C>T (p.His2394Tyr)

Gene: NIPBL (NIPBL cohesin loading factor; plus strand). Cytogenetic location: 5p13.2.
Variant type: single nucleotide variant.
Coding change: c.7180C>T on transcript NM_133433.4 (MANE Select); coding-DNA position 7180, C replaced by T.
Protein change: p.His2394Tyr; replaces histidine 2394 with tyrosine.
Molecular consequence: missense variant.
Genome position (GRCh38, 1-based): chr5:37,052,483, C>T. VCF-style: chr5-37052483-C-T. GRCh37 (hg19) VCF-style: chr5-37052585-C-T.
Other names: c.7180C>T, p.His2394Tyr (NM_001438586.1, NM_015384.5); short protein forms H2394Y.
Identifiers: ClinVar variation 4851757 (VCV004851757.1).

ClinVar aggregate classification (germline): Uncertain significance (1 of 4 stars; one submission).

Submission:

Greenwood Genetic Center Diagnostic Laboratories, Greenwood Genetic Center
Classification: Uncertain significance. Last evaluated: 2025-01-14. Review status: criteria provided, single submitter. Criteria: ACMG Guidelines, 2015. Collection method: clinical testing. Allele origin: germline.
Comment: PM2, BP4, PP2